The following is an entry in ClinVar:

NM_130837.3(OPA1):c.93_96dup (p.Leu33fs)

Gene: OPA1 (OPA1 mitochondrial dynamin like GTPase; plus strand). Cytogenetic location: 3q29.
Variant type: Duplication.
Coding change: c.93_96dup on transcript NM_130837.3 (MANE Select); coding-DNA positions 93 to 96, 4 bases duplicated (AAAA; older notation c.93_96dupAAAA).
Protein change: p.Leu33fs; shifts the reading frame from leucine 33.
Molecular consequence: frameshift variant. On other transcripts: 5 prime UTR variant (2).
Genome position (GRCh38, 1-based): chr3:193,614,783-193,614,786, AAAA duplicated; duplicating any 4 consecutive bases within chr3:193,614,782-193,614,786 gives the same sequence; the c. name uses the placement nearest the transcript's 3' end. VCF-style (leftmost placement, unchanged base first): chr3-193614781-C-CAAAA. GRCh37 (hg19) VCF-style: chr3-193332570-C-CAAAA.
Other names: c.-280_-277dup (NM_001354663.2, NM_001354664.2); c.93_96dup, p.Leu33fs (NM_015560.3, NM_130831.3, NM_130832.3 and 4 more transcripts); short protein forms L33fs.
Identifiers: ClinVar variation 995145 (VCV000995145.1), dbSNP rs1728761079, ClinGen allele CA437637853.

ClinVar aggregate classification (germline): Pathogenic (1 of 4 stars; one submission).

Submission:

Athena Diagnostics
Classification: Pathogenic. Last evaluated: 2019-12-09. Review status: criteria provided, single submitter. Criteria: Athena Diagnostics Criteria. Collection method: clinical testing. Allele origin: unknown.
Comment: The variant results in a shift of the reading frame, and is therefore predicted to result in the loss of a functional protein. Found in at least one patient with expected phenotype for this gene, and not found in general population data.

Literature cited by the submitters: PubMed 21036400.